The following is an entry in ClinVar:

NM_000051.4(ATM):c.2848C>A (p.Leu950Ile)

Gene: ATM (ATM serine/threonine kinase; plus strand). Cytogenetic location: 11q22.3.
Variant type: single nucleotide variant.
Coding change: c.2848C>A on transcript NM_000051.4 (MANE Select); coding-DNA position 2848, C replaced by A.
Protein change: p.Leu950Ile; replaces leucine 950 with isoleucine.
Molecular consequence: missense variant.
Genome position (GRCh38, 1-based): chr11:108,271,073, C>A. VCF-style: chr11-108271073-C-A. GRCh37 (hg19) VCF-style: chr11-108141800-C-A.
Other names: c.2848C>A, p.Leu950Ile (NM_001351834.2); short protein forms L950I.
Identifiers: ClinVar variation 3323692 (VCV003323692.1).

ClinVar aggregate classification (germline): Uncertain significance (1 of 4 stars; one submission).

Conditions:
Hereditary cancer-predisposing syndrome. Also called: Neoplastic Syndromes, Hereditary; Tumor predisposition; Hereditary neoplastic syndrome; Hereditary Cancer Syndrome. Identifiers: Orphanet 140162, MedGen C0027672, MeSH D009386, MONDO:0015356.

Submission:

Ambry Genetics
Classification: Uncertain significance for Hereditary cancer-predisposing syndrome. Last evaluated: 2024-03-25. Review status: criteria provided, single submitter. Criteria: Ambry Variant Classification Scheme 2023. Collection method: clinical testing. Allele origin: germline.
Comment: The p.L950I variant (also known as c.2848C>A), located in coding exon 18 of the ATM gene, results from a C to A substitution at nucleotide position 2848. The leucine at codon 950 is replaced by isoleucine, an amino acid with highly similar properties. This amino acid position is highly conserved in available vertebrate species. In addition, the in silico prediction for this alteration is inconclusive. Based on the available evidence, the clinical significance of this alteration remains unclear.